The following is an entry in ClinVar:

ClinVar aggregate classification (germline): Uncertain significance. Review status: criteria provided, multiple submitters, no conflicts (2 of 4 stars). 2 submissions from 2 submitters: Uncertain significance (2). Last evaluated 2023-09-26.

Conditions:
Inborn genetic diseases. Identifiers: MedGen C0950123, MeSH D030342.
Developmental and epileptic encephalopathy, 30 (DEE30). Also called: Epileptic encephalopathy, early infantile, 30. Identifiers: MedGen C4225360, MONDO:0014595, OMIM 616341.

Submissions (2):

Ambry Genetics
Classification: Uncertain significance for Inborn genetic diseases. Last evaluated: 2023-09-26. Review status: criteria provided, single submitter. Criteria: Ambry Variant Classification Scheme 2023. Collection method: clinical testing. Allele origin: germline.

Labcorp Genetics (formerly Invitae), Labcorp
Classification: Uncertain significance for Developmental and epileptic encephalopathy, 30. Last evaluated: 2022-07-25. Review status: criteria provided, single submitter. Criteria: Invitae Variant Classification Sherloc (09022015). Collection method: clinical testing. Allele origin: germline.
Comment: In summary, the available evidence is currently insufficient to determine the role of this variant in disease. Therefore, it has been classified as a Variant of Uncertain Significance. This sequence change replaces methionine, which is neutral and non-polar, with threonine, which is neutral and polar, at codon 278 of the SIK1 protein (p.Met278Thr). This variant is not present in population databases (gnomAD no frequency). Advanced modeling of protein sequence and biophysical properties (such as structural, functional, and spatial information, amino acid conservation, physicochemical variation, residue mobility, and thermodynamic stability) performed at Invitae indicates that this missense variant is not expected to disrupt SIK1 protein function. This variant has not been reported in the literature in individuals affected with SIK1-related conditions.

NM_173354.5(SIK1):c.833T>C (p.Met278Thr)

Gene: SIK1 (salt inducible kinase 1; minus strand). Cytogenetic location: 21q22.3.
Variant type: single nucleotide variant.
Coding change: c.833T>C on transcript NM_173354.5 (MANE Select); coding-DNA position 833, T replaced by C.
Protein change: p.Met278Thr; replaces methionine 278 with threonine.
Molecular consequence: missense variant.
Genome position (GRCh38, 1-based): chr21:43,420,373, A>G on the plus strand (T>C on the coding strand, the complement: SIK1 is on the minus strand). VCF-style: chr21-43420373-A-G. GRCh37 (hg19) VCF-style: chr21-44840253-A-G.
Other names: c.833T>C (NM_173354.3); short protein forms M278T.
Identifiers: ClinVar variation 1963555 (VCV001963555.6), dbSNP rs2516966825, ClinGen allele CA410609309.